The following is an entry in ClinVar:

NM_000214.3(JAG1):c.2170G>A (p.Gly724Arg)

Gene: JAG1 (jagged canonical Notch ligand 1; minus strand). Cytogenetic location: 20p12.2.
Variant type: single nucleotide variant.
Coding change: c.2170G>A on transcript NM_000214.3 (MANE Select); coding-DNA position 2170, G replaced by A.
Protein change: p.Gly724Arg; replaces glycine 724 with arginine.
Molecular consequence: missense variant.
Genome position (GRCh38, 1-based): chr20:10,645,200, C>T on the plus strand (G>A on the coding strand, the complement: JAG1 is on the minus strand). VCF-style: chr20-10645200-C-T. GRCh37 (hg19) VCF-style: chr20-10625848-C-T.
Other names: short protein forms G724R.
Identifiers: ClinVar variation 1028618 (VCV001028618.3), dbSNP rs2067299833, ClinGen allele CA408235231.
Genomic context (GRCh38, chr20:10,645,200, plus strand): 5'-TACCTATGTTACAGGTTGTTCCTTCCCAGCCGCCAGGACACATGCACTTAAAAGCATCCC[C>T]CTCATCATAGCAGGTGCCACCGTTGTTGCACGTGGCCTCATCACACTGACTGTCACCTGG-3'
Protein context (NP_000205.1, residues 714-734): CNNGGTCYDE[Gly724Arg]DAFKCMCPGG

ClinVar aggregate classification (germline): Uncertain significance. Review status: criteria provided, multiple submitters, no conflicts (2 of 4 stars). 3 submissions from 2 submitters: Uncertain significance (3). Last evaluated 2024-01-01.

Conditions:
Alagille syndrome due to a JAG1 point mutation. Also called: JAG1-Related Alagille Syndrome; Alagille Syndrome 1; HEPATIC DUCTULAR HYPOPLASIA, SYNDROMATIC. Identifiers: Orphanet 261619, Orphanet 52, MedGen C1956125, MONDO:0016862, OMIM 118450.
JAG1-related disorder. Also called: JAG1-related disorders; JAG1-related condition.

Submissions (3):

Daryl Scott Lab, Baylor College of Medicine
Classification: Uncertain significance for JAG1-related disorder. Last evaluated: 2024-01-01. Review status: criteria provided, single submitter. Criteria: ACMG Guidelines, 2015. Collection method: clinical testing. Allele origin: unknown. Observed: 1 heterozygote.
Comment: PM2

Daryl Scott Lab, Baylor College of Medicine
Classification: Uncertain significance for Alagille syndrome due to a JAG1 point mutation. Last evaluated: 2022-02-01. Review status: criteria provided, single submitter. Criteria: ACMG Guidelines, 2015. Collection method: clinical testing. Allele origin: unknown. Observed: 1 variant allele.

Baylor Genetics
Classification: Uncertain significance for Alagille syndrome due to a JAG1 point mutation. Last evaluated: 2019-07-18. Review status: criteria provided, single submitter. Criteria: ACMG Guidelines, 2015. Collection method: clinical testing. Allele origin: unknown. Affected: yes.
Comment: This variant was determined to be of uncertain significance according to ACMG Guidelines, 2015 [PMID:25741868].

Literature cited by the submitters: PubMed 36474027 (cited by Daryl Scott Lab, Baylor College of Medicine).